The following is an entry in ClinVar:

ClinVar aggregate classification (germline): Uncertain significance (1 of 4 stars; one submission).

Conditions:
Eichsfeld type congenital muscular dystrophy (CMYO3). Also called: MYOPATHY, SEPN1-RELATED; Rigid spine muscular dystrophy 1; SELENON-related myopathy; Congenital myopathy 3 with rigid spine. Identifiers: MedGen C0410180, MONDO:0100100, OMIM 602771.

Submission:

Labcorp Genetics (formerly Invitae), Labcorp
Classification: Uncertain significance for Eichsfeld type congenital muscular dystrophy. Last evaluated: 2022-09-06. Review status: criteria provided, single submitter. Criteria: Invitae Variant Classification Sherloc (09022015). Collection method: clinical testing. Allele origin: germline.
Comment: In summary, the available evidence is currently insufficient to determine the role of this variant in disease. Therefore, it has been classified as a Variant of Uncertain Significance. Variants that disrupt the consensus splice site are a relatively common cause of aberrant splicing (PMID: 17576681, 9536098). Algorithms developed to predict the effect of sequence changes on RNA splicing suggest that this variant is not likely to affect RNA splicing. ClinVar contains an entry for this variant (Variation ID: 938334). This variant has not been reported in the literature in individuals affected with SELENON-related conditions. This variant is not present in population databases (gnomAD no frequency). This sequence change falls in intron 1 of the SELENON gene. It does not directly change the encoded amino acid sequence of the SELENON protein. It affects a nucleotide within the consensus splice site.

Literature cited by the submitters: PubMed 17576681; PubMed 9536098.

NM_206926.2(SELENON):c.183+3C>T

Gene: SELENON (selenoprotein N; plus strand). Cytogenetic location: 1p36.11.
Variant type: single nucleotide variant.
Coding change: c.183+3C>T on transcript NM_206926.2 (MANE Select); 3 bases into the intron after coding-DNA position 183, C replaced by T.
Molecular consequence: intron variant.
Genome position (GRCh38, 1-based): chr1:25,800,416, C>T. VCF-style: chr1-25800416-C-T. GRCh37 (hg19) VCF-style: chr1-26126907-C-T.
Other names: c.183+3C>T (NM_020451.3).
Identifiers: ClinVar variation 938334 (VCV000938334.8), dbSNP rs2047850845, ClinGen allele CA1139656012.
Genomic context (GRCh38, chr1:25,800,416, plus strand): 5'-TGCCGCCGCCGTCCGGGTCTGCGCCCGCCACGCCGAGGCCCAGGCGGCCGCGCGGCAGGT[C>T]CGGGCCCGAGCTGGCTGGGGCGGGAGCGCGGGAGCGGGGACTGAAGGACCCAGCCTCGGC-3'